The following is an entry in ClinVar:

ClinVar aggregate classification (germline): Likely pathogenic (1 of 4 stars; one submission).

Allele frequency attached by ClinVar (database versions not stated): gnomAD exomes below 0.00001.
gnomAD v4.1: 2 of 1,613,098 alleles (0.00012%); highest among the groups gnomAD compares: East Asian, 0.0045%; no homozygotes.

Submission:

Labcorp Genetics (formerly Invitae), Labcorp
Classification: Likely pathogenic. Last evaluated: 2023-09-18. Review status: criteria provided, single submitter. Criteria: Invitae Variant Classification Sherloc (09022015). Collection method: clinical testing. Allele origin: germline.
Comment: In summary, the currently available evidence indicates that the variant is pathogenic, but additional data are needed to prove that conclusively. Therefore, this variant has been classified as Likely Pathogenic. Algorithms developed to predict the effect of sequence changes on RNA splicing suggest that this variant may disrupt the consensus splice site. This variant has not been reported in the literature in individuals affected with SLC12A3-related conditions. This variant is not present in population databases (gnomAD no frequency). This sequence change affects an acceptor splice site in intron 19 of the SLC12A3 gene. It is expected to disrupt RNA splicing. Variants that disrupt the donor or acceptor splice site typically lead to a loss of protein function (PMID: 16199547), and loss-of-function variants in SLC12A3 are known to be pathogenic (PMID: 20848653, 22009145, 25841442).

Literature cited by the submitters: PubMed 16199547; PubMed 20848653; PubMed 22009145; PubMed 25841442.

NM_001126108.2(SLC12A3):c.2369-1G>A

Gene: SLC12A3 (solute carrier family 12 member 3; plus strand). Cytogenetic location: 16q13.
Variant type: single nucleotide variant.
Coding change: c.2369-1G>A on transcript NM_001126108.2 (MANE Select); the canonical splice acceptor site of the intron before coding-DNA position 2369, G replaced by A.
Molecular consequence: splice acceptor variant.
Genome position (GRCh38, 1-based): chr16:56,892,082, G>A. VCF-style: chr16-56892082-G-A. GRCh37 (hg19) VCF-style: chr16-56925994-G-A.
Other names: c.2369-1G>A (NM_000339.3); c.2366-1G>A (NM_001126107.2, NM_001410896.1).
Identifiers: ClinVar variation 2824494 (VCV002824494.3), dbSNP rs2543535313, ClinGen allele CA395995399.